The following is an entry in ClinVar:

ClinVar aggregate classification (germline): Pathogenic (1 of 4 stars; one submission).

Conditions:
Duchenne muscular dystrophy (DMD). Also called: MUSCULAR DYSTROPHY, PSEUDOHYPERTROPHIC PROGRESSIVE, DUCHENNE TYPE; Duchenne Muscular Dystrophy (DMD). Identifiers: Orphanet 98896, MedGen C0013264, MONDO:0010679, OMIM 310200.

Submission:

Labcorp Genetics (formerly Invitae), Labcorp
Classification: Pathogenic for Duchenne muscular dystrophy. Last evaluated: 2022-12-05. Review status: criteria provided, single submitter. Criteria: Invitae Variant Classification Sherloc (09022015). Collection method: clinical testing. Allele origin: germline.
Comment: This sequence change creates a premature translational stop signal (p.Asp538_Arg539delinsGlu*) in the DMD gene. It is expected to result in an absent or disrupted protein product. Loss-of-function variants in DMD are known to be pathogenic (PMID: 16770791, 25007885). Information on the frequency of this variant in the gnomAD database is not available, as this variant may be reported differently in the database. This variant has not been reported in the literature in individuals affected with DMD-related conditions. For these reasons, this variant has been classified as Pathogenic.

Literature cited by the submitters: PubMed 16770791; PubMed 25007885.

NM_004006.3(DMD):c.1614_1615delinsGT (p.Asp538_Arg539delinsGluTer)

Gene: DMD (dystrophin; minus strand). Cytogenetic location: Xp21.1.
Variant type: Indel.
Coding change: c.1614_1615delinsGT on transcript NM_004006.3 (MANE Select); coding-DNA positions 1614 to 1615, TC replaced by GT.
Protein change: p.Asp538_Arg539delinsGluTer.
Molecular consequence: nonsense.
Genome position (GRCh38, 1-based): chrX:32,573,834-32,573,835, GA replaced by AC on the plus strand (TC replaced by GT on the coding strand, the reverse complement: DMD is on the minus strand). VCF-style: chrX-32573834-GA-AC. GRCh37 (hg19) VCF-style: chrX-32591951-GA-AC.
Other names: c.1590_1591delinsGT, p.Asp530_Arg531delinsGluTer (NM_000109.4); c.1602_1603delinsGT, p.Asp534_Arg535delinsGluTer (NM_004009.3); c.1245_1246delinsGT, p.Asp415_Arg416delinsGluTer (NM_004010.3).
Identifiers: ClinVar variation 2818700 (VCV002818700.3), dbSNP rs2526758787, ClinGen allele CA2739273382.
Genomic context (GRCh38, chrX:32,573,834, plus strand): 5'-GAAGGATGTCTTGTAAAAGAACCCAGCGGTCTTCTGTCCATCTACAGATGTTTGCCCATC[GA>AC]TCTCCCAATACCTGGAGAAGAGACAATCAAGCACAGCATCAGCAAACAATTGGTAACTAC-3'